The following is an entry in ClinVar:

NM_004752.4(GCM2):c.766C>T (p.Pro256Ser)

Gene: GCM2 (glial cells missing transcription factor 2; minus strand). Cytogenetic location: 6p24.2.
Variant type: single nucleotide variant.
Coding change: c.766C>T on transcript NM_004752.4 (MANE Select); coding-DNA position 766, C replaced by T.
Protein change: p.Pro256Ser; replaces proline 256 with serine.
Molecular consequence: missense variant.
Genome position (GRCh38, 1-based): chr6:10,874,750, G>A on the plus strand (C>T on the coding strand, the complement: GCM2 is on the minus strand). VCF-style: chr6-10874750-G-A. GRCh37 (hg19) VCF-style: chr6-10874983-G-A.
Other names: short protein forms P256S.
Identifiers: ClinVar variation 4778746 (VCV004778746.1).
Genomic context (GRCh38, chr6:10,874,750, plus strand): 5'-CATAGCTGCAAGGTGGCCTAGGCAAATAGATTCTTGGGCTTGAGTATTTCTGGAAGGGTG[G>A]CATTTTGTCTCCTTGAAAGGTGGCTAGGTCACAGGTAGCTTTGTAAACATCAGACTTTGG-3'
Protein context (NP_004743.1, residues 246-266): DLATFQGDKM[Pro256Ser]PFQKYSSPRI

ClinVar aggregate classification (germline): Uncertain significance (1 of 4 stars; one submission).

Submission:

Labcorp Genetics (formerly Invitae), Labcorp
Classification: Uncertain significance. Last evaluated: 2026-01-07. Review status: criteria provided, single submitter. Criteria: Invitae Variant Classification Sherloc (09022015). Collection method: clinical testing. Allele origin: germline.
Comment: This sequence change replaces proline, which is neutral and non-polar, with serine, which is neutral and polar, at codon 256 of the GCM2 protein (p.Pro256Ser). This variant is not present in population databases (gnomAD no frequency). This variant has not been reported in the literature in individuals affected with GCM2-related conditions. Invitae Evidence Modeling of protein sequence and biophysical properties (such as structural, functional, and spatial information, amino acid conservation, physicochemical variation, residue mobility, and thermodynamic stability) indicates that this missense variant is not expected to disrupt GCM2 protein function with a negative predictive value of 80%. In summary, the available evidence is currently insufficient to determine the role of this variant in disease. Therefore, it has been classified as a Variant of Uncertain Significance.